The following is an entry in ClinVar:

ClinVar aggregate classification (germline): Uncertain significance (1 of 4 stars; one submission).

Conditions:
Epidermolysis bullosa simplex 5C, with pyloric atresia (EBS5C). Also called: PLEC-Related Epidermolysis Bullosa with Pyloric Atresia; Epidermolysis bullosa simplex with pyloric atresia; PLEC1-Related Epidermolysis Bullosa with Pyloric Atresia. Identifiers: Orphanet 158684, MedGen C2677349, MONDO:0012807, OMIM 612138.
Autosomal recessive limb-girdle muscular dystrophy type 2Q (LGMDR17). Also called: MUSCULAR DYSTROPHY, LIMB-GIRDLE, AUTOSOMAL RECESSIVE 17. Identifiers: Orphanet 254361, MedGen C3150989, MONDO:0013390, OMIM 613723.
Epidermolysis bullosa simplex 5B, with muscular dystrophy (EBS5B). Also called: Epidermolysis bullosa simplex with muscular dystrophy; EPIDERMOLYSIS BULLOSA SIMPLEX AND LIMB-GIRDLE MUSCULAR DYSTROPHY. Identifiers: Orphanet 257, MedGen C2931072, MONDO:0009181, OMIM 226670.
Epidermolysis bullosa simplex, Ogna type (EBS5A). Also called: EPIDERMOLYSIS BULLOSA SIMPLEX 5A, OGNA TYPE; Pidermolysis bullosa simplex 5A, Ogna type. Identifiers: Orphanet 79401, MedGen C0432317, MONDO:0007555, OMIM 131950.
Epidermolysis bullosa simplex with nail dystrophy (EBS5D). Identifiers: MedGen C4225309, MONDO:0014661, OMIM 616487.

Submission:

Labcorp Genetics (formerly Invitae), Labcorp
Classification: Uncertain significance for Autosomal recessive limb-girdle muscular dystrophy type 2Q; Epidermolysis bullosa simplex, Ogna type; Epidermolysis bullosa simplex with nail dystrophy; Epidermolysis bullosa simplex 5C, with pyloric atresia; Epidermolysis bullosa simplex 5B, with muscular dystrophy. Last evaluated: 2022-08-20. Review status: criteria provided, single submitter. Criteria: Invitae Variant Classification Sherloc (09022015). Collection method: clinical testing. Allele origin: germline.
Comment: In summary, the available evidence is currently insufficient to determine the role of this variant in disease. Therefore, it has been classified as a Variant of Uncertain Significance. Experimental studies and prediction algorithms are not available or were not evaluated, and the functional significance of this variant is currently unknown. This variant has not been reported in the literature in individuals affected with PLEC-related conditions. The frequency data for this variant in the population databases is considered unreliable, as metrics indicate poor data quality at this position in the gnomAD database. This sequence change replaces aspartic acid, which is acidic and polar, with valine, which is neutral and non-polar, at codon 443 of the PLEC protein (p.Asp443Val).

NM_201384.3(PLEC):c.1247_1248delinsTT (p.Asp416Val)

Genes: PLEC (plectin; minus strand), LOC130001334 (ATAC-STARR-seq lymphoblastoid silent region 19628; plus strand). Cytogenetic location: 8q24.3.
Variant type: Indel.
Coding change: c.1247_1248delinsTT on transcript NM_201384.3 (MANE Select); coding-DNA positions 1247 to 1248, AC replaced by TT.
Protein change: p.Asp416Val; replaces aspartic acid 416 with valine.
Molecular consequence: missense variant.
Genome position (GRCh38, 1-based): chr8:143,934,013-143,934,014, GT replaced by AA on the plus strand (AC replaced by TT on the coding strand, the reverse complement: PLEC is on the minus strand). VCF-style: chr8-143934013-GT-AA. GRCh37 (hg19) VCF-style: chr8-145008181-GT-AA.
Other names: c.1328_1329delinsTT, p.Asp443Val (NM_000445.5); c.1328_1329delACinsTT, p.Asp443Val (NM_001410941.1); c.1205_1206delinsTT, p.Asp402Val (NM_201378.4); c.1181_1182delinsTT, p.Asp394Val (NM_201379.3); c.1658_1659delinsTT, p.Asp553Val (NM_201380.4); c.1151_1152delinsTT, p.Asp384Val (NM_201381.3); c.1247_1248delinsTT, p.Asp416Val (NM_201382.4); c.1259_1260delinsTT, p.Asp420Val (NM_201383.3); short protein forms D384V, D394V, D402V, D416V, D420V, D443V, D553V.
Identifiers: ClinVar variation 1717228 (VCV001717228.6), dbSNP rs2538948386, ClinGen allele CA2580078637.